The following is an entry in ClinVar:

NM_005216.5(DDOST):c.253C>A (p.Pro85Thr)

Gene: DDOST (dolichyl-diphosphooligosaccharide--protein glycosyltransferase non-catalytic subunit; minus strand). Cytogenetic location: 1p36.12.
Variant type: single nucleotide variant.
Coding change: c.253C>A on transcript NM_005216.5 (MANE Select); coding-DNA position 253, C replaced by A.
Protein change: p.Pro85Thr; replaces proline 85 with threonine.
Molecular consequence: missense variant.
Genome position (GRCh38, 1-based): chr1:20,660,893, G>T on the plus strand (C>A on the coding strand, the complement: DDOST is on the minus strand). VCF-style: chr1-20660893-G-T. GRCh37 (hg19) VCF-style: chr1-20987386-G-T.
Other names: short protein forms P85T.
Identifiers: ClinVar variation 3685129 (VCV003685129.2).

ClinVar aggregate classification (germline): Uncertain significance (1 of 4 stars; one submission).

Conditions:
Congenital disorder of glycosylation type Ir (CDG1R). Also called: DDOST-congenital disorder of glycosylation. Identifiers: Orphanet 300536, MedGen C3281084, MONDO:0013789, OMIM 614507.

gnomAD v4.1: 2 of 1,602,056 alleles (0.00012%); highest among the groups gnomAD compares: Admixed American, 0.0033%; no homozygotes.

Submission:

Labcorp Genetics (formerly Invitae), Labcorp
Classification: Uncertain significance for Congenital disorder of glycosylation type Ir. Last evaluated: 2024-06-26. Review status: criteria provided, single submitter. Criteria: Invitae Variant Classification Sherloc (09022015). Collection method: clinical testing. Allele origin: germline.
Comment: This sequence change replaces proline, which is neutral and non-polar, with threonine, which is neutral and polar, at codon 102 of the DDOST protein (p.Pro102Thr). This variant is present in population databases (no rsID available, gnomAD 0.006%). This variant has not been reported in the literature in individuals affected with DDOST-related conditions. An algorithm developed to predict the effect of missense changes on protein structure and function (PolyPhen-2) suggests that this variant is likely to be disruptive. In summary, the available evidence is currently insufficient to determine the role of this variant in disease. Therefore, it has been classified as a Variant of Uncertain Significance.